The following is an entry in ClinVar:

NM_001128148.3(TFRC):c.637del (p.Val213fs)

Gene: TFRC (transferrin receptor; minus strand). Cytogenetic location: 3q29.
Variant type: Deletion.
Coding change: c.637del on transcript NM_001128148.3 (MANE Select); coding-DNA position 637, one base deleted (G; older notation c.637delG).
Protein change: p.Val213fs; shifts the reading frame from valine 213.
Molecular consequence: frameshift variant. On other transcripts: 5 prime UTR variant (1).
Genome position (GRCh38, 1-based): chr3:196,071,446, C deleted on the plus strand (G on the coding strand, the reverse complement: TFRC is on the minus strand); the first of 2 consecutive C bases (chr3:196,071,446-196,071,447); deleting either gives the same sequence. VCF-style (leftmost placement, unchanged base first): chr3-196071445-AC-A. GRCh37 (hg19) VCF-style: chr3-195798316-AC-A.
Other names: c.394del, p.Val132fs (NM_001313965.2); c.-210del (NM_001313966.2); c.637del, p.Val213fs (NM_003234.4); short protein forms V132fs, V213fs.
Identifiers: ClinVar variation 4731024 (VCV004731024.1).

ClinVar aggregate classification (germline): Uncertain significance (1 of 4 stars; one submission).

Submission:

Labcorp Genetics (formerly Invitae), Labcorp
Classification: Uncertain significance. Last evaluated: 2025-11-11. Review status: criteria provided, single submitter. Criteria: Invitae Variant Classification Sherloc (09022015). Collection method: clinical testing. Allele origin: germline.
Comment: This sequence change creates a premature translational stop signal (p.Val213Trpfs*38) in the TFRC gene. It is expected to result in an absent or disrupted protein product. However, the current clinical and genetic evidence is not sufficient to establish whether loss-of-function variants in TFRC cause disease. This variant is not present in population databases (gnomAD no frequency). This variant has not been reported in the literature in individuals affected with TFRC-related conditions. Algorithms developed to predict the effect of sequence changes on RNA splicing suggest that this variant may disrupt the consensus splice site. In summary, the available evidence is currently insufficient to determine the role of this variant in disease. Therefore, it has been classified as a Variant of Uncertain Significance.